The following is an entry in ClinVar:

ClinVar aggregate classification (germline): Uncertain significance (1 of 4 stars; one submission).

gnomAD v4.1: 7 of 1,613,930 alleles (0.00043%); highest among the groups gnomAD compares: Non-Finnish European, 0.00059%; no homozygotes.

Submission:

Labcorp Genetics (formerly Invitae), Labcorp
Classification: Uncertain significance. Last evaluated: 2025-09-25. Review status: criteria provided, single submitter. Criteria: Invitae Variant Classification Sherloc (09022015). Collection method: clinical testing. Allele origin: germline.
Comment: This sequence change replaces arginine, which is basic and polar, with glycine, which is neutral and non-polar, at codon 694 of the HYOU1 protein (p.Arg694Gly). This variant is present in population databases (no rsID available, gnomAD 0.002%). This variant has not been reported in the literature in individuals affected with HYOU1-related conditions. An algorithm developed to predict the effect of missense changes on protein structure and function (PolyPhen-2) suggests that this variant is likely to be tolerated. In summary, the available evidence is currently insufficient to determine the role of this variant in disease. Therefore, it has been classified as a Variant of Uncertain Significance.

NM_006389.5(HYOU1):c.2080C>G (p.Arg694Gly)

Gene: HYOU1 (hypoxia up-regulated 1; minus strand). Cytogenetic location: 11q23.3.
Variant type: single nucleotide variant.
Coding change: c.2080C>G on transcript NM_006389.5 (MANE Select); coding-DNA position 2080, C replaced by G.
Protein change: p.Arg694Gly; replaces arginine 694 with glycine.
Molecular consequence: missense variant.
Genome position (GRCh38, 1-based): chr11:119,048,799, G>C on the plus strand (C>G on the coding strand, the complement: HYOU1 is on the minus strand). VCF-style: chr11-119048799-G-C. GRCh37 (hg19) VCF-style: chr11-118919511-G-C.
Other names: c.2080C>G, p.Arg694Gly (NM_001130991.3, NM_001411041.1); short protein forms R694G.
Identifiers: ClinVar variation 4727584 (VCV004727584.1).